The following is an entry in ClinVar:

NM_000350.3(ABCA4):c.4378C>T (p.Pro1460Ser)

Gene: ABCA4 (ATP binding cassette subfamily A member 4; minus strand). Cytogenetic location: 1p22.1.
Variant type: single nucleotide variant.
Coding change: c.4378C>T on transcript NM_000350.3 (MANE Select); coding-DNA position 4378, C replaced by T.
Protein change: p.Pro1460Ser; replaces proline 1460 with serine.
Molecular consequence: missense variant.
Genome position (GRCh38, 1-based): chr1:94,029,606, G>A on the plus strand (C>T on the coding strand, the complement: ABCA4 is on the minus strand). VCF-style: chr1-94029606-G-A. GRCh37 (hg19) VCF-style: chr1-94495162-G-A.
Other names: c.4156C>T, p.Pro1386Ser (NM_001425324.1); short protein forms P1460S, P1386S.
Identifiers: ClinVar variation 1389682 (VCV001389682.5), dbSNP rs373181448, ClinGen allele CA26853764.
Genomic context (GRCh38, chr1:94,029,606, plus strand): 5'-TCCATTTCTGCTTCTGGAACAGCTGGGTGATGTTTGGGGACACAGAAGGAGTCTTCCAGG[G>A]TGTTGAGTTGCCACAGGGGTACTCCCTCATGGAAGACAAGAAAATATTCCATAATCAGCC-3'
Protein context (NP_000341.2, residues 1450-1470): LPEYPCGNST[Pro1460Ser]WKTPSVSPNI

ClinVar aggregate classification (germline): Uncertain significance (1 of 4 stars; one submission).

Allele frequency attached by ClinVar (database versions not stated): gnomAD exomes 0.00001; ESP Exome Variant Server 0.00008.
gnomAD v4.1: 6 of 1,613,914 alleles (0.00037%); highest among the groups gnomAD compares: South Asian, 0.0022%; no homozygotes.

Submission:

Labcorp Genetics (formerly Invitae), Labcorp
Classification: Uncertain significance. Last evaluated: 2023-08-10. Review status: criteria provided, single submitter. Criteria: Invitae Variant Classification Sherloc (09022015). Collection method: clinical testing. Allele origin: germline.
Comment: In summary, the available evidence is currently insufficient to determine the role of this variant in disease. Therefore, it has been classified as a Variant of Uncertain Significance. Advanced modeling of protein sequence and biophysical properties (such as structural, functional, and spatial information, amino acid conservation, physicochemical variation, residue mobility, and thermodynamic stability) performed at Invitae indicates that this missense variant is not expected to disrupt ABCA4 protein function. ClinVar contains an entry for this variant (Variation ID: 1389682). This missense change has been observed in individual(s) with clinical features of retinal dystrophy (Invitae). In at least one individual the data is consistent with being in trans (on the opposite chromosome) from a pathogenic variant. This variant is present in population databases (rs373181448, gnomAD 0.002%). This sequence change replaces proline, which is neutral and non-polar, with serine, which is neutral and polar, at codon 1460 of the ABCA4 protein (p.Pro1460Ser).